The following is an entry in ClinVar:

NM_003705.5(SLC25A12):c.145G>A (p.Asp49Asn)

Gene: SLC25A12 (solute carrier family 25 member 12; minus strand). Cytogenetic location: 2q31.1.
Variant type: single nucleotide variant.
Coding change: c.145G>A on transcript NM_003705.5 (MANE Select); coding-DNA position 145, G replaced by A.
Protein change: p.Asp49Asn; replaces aspartic acid 49 with asparagine.
Molecular consequence: missense variant. On other transcripts: non-coding transcript variant (1).
Genome position (GRCh38, 1-based): chr2:171,868,745, C>T on the plus strand (G>A on the coding strand, the complement: SLC25A12 is on the minus strand). VCF-style: chr2-171868745-C-T. GRCh37 (hg19) VCF-style: chr2-172725255-C-T.
Other names: short protein forms D49N.
Identifiers: ClinVar variation 2007122 (VCV002007122.4), dbSNP rs770856651, ClinGen allele CA349636720.
Genomic context (GRCh38, chr2:171,868,745, plus strand): 5'-CCTTGGTTTGATCAGCTACTCCTGCCAAGAGCTGCACGATCTTTGGGTTACTATTTGGAT[C>T]ATTATACAGTCCAAGATAGCGCTGAACAAAGTCTTCTGGGGTCATATAACGCTCTCCATC-3'
Protein context (NP_003696.2, residues 39-59): FVQRYLGLYN[Asp49Asn]PNSNPKIVQL

ClinVar aggregate classification (germline): Uncertain significance (1 of 4 stars; one submission).

Submission:

Labcorp Genetics (formerly Invitae), Labcorp
Classification: Uncertain significance. Last evaluated: 2022-06-15. Review status: criteria provided, single submitter. Criteria: Invitae Variant Classification Sherloc (09022015). Collection method: clinical testing. Allele origin: germline.
Comment: Algorithms developed to predict the effect of missense changes on protein structure and function are either unavailable or do not agree on the potential impact of this missense change (SIFT: "Deleterious"; PolyPhen-2: "Benign"; Align-GVGD: "Class C0"). In summary, the available evidence is currently insufficient to determine the role of this variant in disease. Therefore, it has been classified as a Variant of Uncertain Significance. This variant has not been reported in the literature in individuals affected with SLC25A12-related conditions. This variant is not present in population databases (gnomAD no frequency). This sequence change replaces aspartic acid, which is acidic and polar, with asparagine, which is neutral and polar, at codon 49 of the SLC25A12 protein (p.Asp49Asn).